The following is an entry in ClinVar:

NM_001372044.2(SHANK3):c.1593C>A (p.Pro531=)

Gene: SHANK3 (SH3 and multiple ankyrin repeat domains 3; plus strand). Cytogenetic location: 22q13.33.
Variant type: single nucleotide variant.
Coding change: c.1593C>A on transcript NM_001372044.2 (MANE Select); coding-DNA position 1593, C replaced by A.
Protein change: p.Pro531=; no amino-acid change (proline 531 retained).
Molecular consequence: synonymous variant.
Genome position (GRCh38, 1-based): chr22:50,697,585, C>A. VCF-style: chr22-50697585-C-A. GRCh37 (hg19) VCF-style: chr22-51136013-C-A.
Identifiers: ClinVar variation 4874392 (VCV004874392.2).

ClinVar aggregate classification (germline): Uncertain significance (1 of 4 stars; one submission).

Submission:

CeGaT Center for Human Genetics Tuebingen
Classification: Uncertain significance. Last evaluated: 2026-05-01. Review status: criteria provided, single submitter. Criteria: CeGaT Center For Human Genetics Tuebingen Variant Classification Criteria Version 2. Collection method: clinical testing. Allele origin: germline. Affected: yes. Observed: 1 variant allele.
Comment: SHANK3: PM2:Supporting